The following is an entry in ClinVar:

NM_170606.3(KMT2C):c.5713C>G (p.Pro1905Ala)

Gene: KMT2C (lysine methyltransferase 2C; minus strand). Cytogenetic location: 7q36.1.
Variant type: single nucleotide variant.
Coding change: c.5713C>G on transcript NM_170606.3 (MANE Select); coding-DNA position 5713, C replaced by G.
Protein change: p.Pro1905Ala; replaces proline 1905 with alanine.
Molecular consequence: missense variant.
Genome position (GRCh38, 1-based): chr7:152,182,147, G>C on the plus strand (C>G on the coding strand, the complement: KMT2C is on the minus strand). VCF-style: chr7-152182147-G-C. GRCh37 (hg19) VCF-style: chr7-151879232-G-C.
Other names: c.5713C>G (NM_170606.2); short protein forms P1905A.
Identifiers: ClinVar variation 1346654 (VCV001346654.13), dbSNP rs769183090, ClinGen allele CA4580204.

ClinVar aggregate classification (germline): Benign/Likely benign. Review status: criteria provided, multiple submitters, no conflicts (2 of 4 stars). 4 submissions from 4 submitters: Benign (1); Likely benign (2). 1 of the submissions does not count toward it. Last evaluated 2026-06-01.

Conditions:
Inborn genetic diseases. Identifiers: MedGen C0950123, MeSH D030342.
KMT2C-related disorder. Also called: KMT2C-related disorders; KMT2C-related condition.

Allele frequency attached by ClinVar (database versions not stated): gnomAD 0.00002; TOPMed 0.00005; ExAC 0.00011; gnomAD exomes 0.00012.
gnomAD v4.1: 34 of 1,614,018 alleles (0.0021%); highest among the groups gnomAD compares: Admixed American, 0.055%; no homozygotes.

Submissions (4):

CeGaT Center for Human Genetics Tuebingen
Classification: Likely benign. Last evaluated: 2026-06-01. Review status: criteria provided, single submitter. Criteria: CeGaT Center For Human Genetics Tuebingen Variant Classification Criteria Version 2. Collection method: clinical testing. Allele origin: germline. Affected: yes. Observed: 1 variant allele.
Comment: KMT2C: BS2

Ambry Genetics
Classification: Likely benign for Inborn genetic diseases. Last evaluated: 2024-08-20. Review status: criteria provided, single submitter. Criteria: Ambry Variant Classification Scheme 2023. Collection method: clinical testing. Allele origin: germline.

Labcorp Genetics (formerly Invitae), Labcorp
Classification: Benign. Last evaluated: 2023-10-11. Review status: criteria provided, single submitter. Criteria: Invitae Variant Classification Sherloc (09022015). Collection method: clinical testing. Allele origin: germline.

PreventionGenetics, part of Exact Sciences
Classification: Likely benign for KMT2C-related condition. Last evaluated: 2022-07-14. Review status: no assertion criteria provided. Collection method: clinical testing. Allele origin: germline. Not counted in ClinVar's aggregate classification.
Comment: This variant is classified as likely benign based on ACMG/AMP sequence variant interpretation guidelines (Richards et al. 2015 PMID: 25741868, with internal and published modifications).